The following is an entry in ClinVar:

ClinVar aggregate classification (germline): Likely pathogenic. Review status: criteria provided, multiple submitters, no conflicts (2 of 4 stars). 2 submissions from 2 submitters: Likely pathogenic (2). Last evaluated 2026-01-14.

Conditions:
Autosomal recessive limb-girdle muscular dystrophy type 2J (LGMDR10). Also called: Limb-girdle muscular dystrophy, type 2J; MUSCULAR DYSTROPHY, LIMB-GIRDLE, AUTOSOMAL RECESSIVE 10. Identifiers: Orphanet 140922, MedGen C1837342, MONDO:0012127, OMIM 608807.
Dilated cardiomyopathy 1G (CMD1G). Identifiers: Orphanet 154, MedGen C1858763, MONDO:0011400, OMIM 604145.

Submissions (2):

Labcorp Genetics (formerly Invitae), Labcorp
Classification: Likely pathogenic for Dilated cardiomyopathy 1G; Autosomal recessive limb-girdle muscular dystrophy type 2J. Last evaluated: 2026-01-14. Review status: criteria provided, single submitter. Criteria: Invitae Variant Classification Sherloc (09022015). Collection method: clinical testing. Allele origin: germline.
Comment: This sequence change creates a premature translational stop signal (p.Trp29185*) in the TTN gene. While this is not anticipated to result in nonsense mediated decay, it is expected to create a truncated TTN protein. This variant is not present in population databases (gnomAD no frequency). This premature translational stop signal has been observed in individual(s) with dilated cardiomyopathy (internal data). ClinVar contains an entry for this variant (Variation ID: 373190). This variant is located in the A band of TTN (PMID: 25589632). Truncating variants in this region are significantly overrepresented in patients affected with dilated cardiomyopathy (PMID: 25589632). Truncating variants in this region have also been reported in individuals affected with autosomal recessive centronuclear myopathy (PMID: 23975875). In summary, the currently available evidence indicates that the variant is pathogenic, but additional data are needed to prove that conclusively. Therefore, this variant has been classified as Likely Pathogenic.

GeneDx
Classification: Likely pathogenic. Last evaluated: 2016-11-10. Review status: criteria provided, single submitter. Criteria: GeneDx Variant Classification (06012015). Collection method: clinical testing. Allele origin: germline. Affected: yes.
Comment: The W27544X likely pathogenic variant in the TTN gene has not been reported previously as a disease-causing pathogenic variant or as a benign variant, to our knowledge. This variant is predicted to cause loss of normal protein function either due to production of an abnormal, prematurely truncated protein, or by absence of protein product due to nonsense mediated mRNA decay. Other truncating TTN variants have been reported in approximately 3% of control alleles (Herman et al., 2012). However, W27544X is located in the A-band region of titin, where the majority of truncating pathogenic variants associated with DCM have been reported (Herman et al., 2012). Furthermore, W27544X was not observed in approximately 6,100 individuals of European and African American ancestry in the NHLBI Exome Sequencing Project, indicating it is not a common benign variant in these populations.In summary, W27544X in the TTN gene is expected to be pathogenic

Literature cited by the submitters: PubMed 25589632 (cited by Labcorp Genetics (formerly Invitae), Labcorp); PubMed 23975875 (cited by Labcorp Genetics (formerly Invitae), Labcorp).

NM_001267550.2(TTN):c.87554G>A (p.Trp29185Ter)

Genes: TTN (titin; minus strand), TTN-AS1 (TTN antisense RNA 1; plus strand). Cytogenetic location: 2q31.2.
Variant type: single nucleotide variant.
Coding change: c.87554G>A on transcript NM_001267550.2 (MANE Select); coding-DNA position 87554, G replaced by A.
Protein change: p.Trp29185Ter; replaces tryptophan 29185 with a stop codon.
Molecular consequence: nonsense.
Genome position (GRCh38, 1-based): chr2:178,557,800, C>T on the plus strand (G>A on the coding strand, the complement: TTN is on the minus strand). VCF-style: chr2-178557800-C-T. GRCh37 (hg19) VCF-style: chr2-179422527-C-T.
Other names: c.82631G>A, p.Trp27544Ter (NM_001256850.1); c.60359G>A, p.Trp20120Ter (NM_003319.4); c.79850G>A, p.Trp26617Ter (NM_133378.4); c.60734G>A, p.Trp20245Ter (NM_133432.3); c.60935G>A, p.Trp20312Ter (NM_133437.4); short protein forms W27544*, W29185*, W20120*, W20245*, W20312*, W26617*.
Identifiers: ClinVar variation 373190 (VCV000373190.4), dbSNP rs1057518275, ClinGen allele CA16042363.